The following is an entry in ClinVar:

ClinVar aggregate classification (germline): Uncertain significance (1 of 4 stars; one submission).

Submission:

Labcorp Genetics (formerly Invitae), Labcorp
Classification: Uncertain significance. Last evaluated: 2025-03-14. Review status: criteria provided, single submitter. Criteria: Invitae Variant Classification Sherloc (09022015). Collection method: clinical testing. Allele origin: germline.
Comment: This sequence change replaces tryptophan, which is neutral and slightly polar, with cysteine, which is neutral and slightly polar, at codon 3270 of the VCAN protein (p.Trp3270Cys). This variant is not present in population databases (gnomAD no frequency). This variant has not been reported in the literature in individuals affected with VCAN-related conditions. An algorithm developed to predict the effect of missense changes on protein structure and function (PolyPhen-2) suggests that this variant is likely to be disruptive. In summary, the available evidence is currently insufficient to determine the role of this variant in disease. Therefore, it has been classified as a Variant of Uncertain Significance.

NM_004385.5(VCAN):c.9810G>T (p.Trp3270Cys)

Gene: VCAN (versican; plus strand). Cytogenetic location: 5q14.3.
Variant type: single nucleotide variant.
Coding change: c.9810G>T on transcript NM_004385.5 (MANE Select); coding-DNA position 9810, G replaced by T.
Protein change: p.Trp3270Cys; replaces tryptophan 3270 with cysteine.
Molecular consequence: missense variant.
Genome position (GRCh38, 1-based): chr5:83,572,490, G>T. VCF-style: chr5-83572490-G-T. GRCh37 (hg19) VCF-style: chr5-82868309-G-T.
Other names: c.1587G>T, p.Trp529Cys (NM_001126336.3); c.6849G>T, p.Trp2283Cys (NM_001164097.2); c.4548G>T, p.Trp1516Cys (NM_001164098.2); short protein forms W529C, W1516C, W2283C, W3270C.
Identifiers: ClinVar variation 3729308 (VCV003729308.2).
Genomic context (GRCh38, chr5:83,572,490, plus strand): 5'-GAGACCCAACCAGCCAGACAGCTTCTTTTCTGCTGGAGAAGACTGTGTTGTAATCATTTG[G>T]CATGAGAATGGCCAGTGGAATGATGTTCCCTGCAATTACCATCTCACCTATACGTGCAAG-3'
Protein context (NP_004376.2, residues 3260-3280): SAGEDCVVII[Trp3270Cys]HENGQWNDVP